The following is an entry in ClinVar:

ClinVar aggregate classification (germline): Uncertain significance. Review status: criteria provided, multiple submitters, no conflicts (2 of 4 stars). 2 submissions from 2 submitters: Uncertain significance (2). Last evaluated 2025-03-11.

Conditions:
Developmental and epileptic encephalopathy, 62. Also called: Early infantile epileptic encephalopathy 62. Identifiers: MedGen C4693699, MONDO:0033371, OMIM 617938.
Epilepsy, familial focal, with variable foci 4 (FFEVF4). Identifiers: MedGen C4693694, MONDO:0054776, OMIM 617935.

Submissions (2):

Labcorp Genetics (formerly Invitae), Labcorp
Classification: Uncertain significance. Last evaluated: 2025-03-11. Review status: criteria provided, single submitter. Criteria: Invitae Variant Classification Sherloc (09022015). Collection method: clinical testing. Allele origin: germline.
Comment: This sequence change falls in intron 6 of the SCN3A gene. It does not directly change the encoded amino acid sequence of the SCN3A protein. It affects a nucleotide within the consensus splice site. This variant is present in population databases (rs770371377, gnomAD 0.01%). This variant has been observed in individual(s) with SCN3A-related conditions (internal data). ClinVar contains an entry for this variant (Variation ID: 848668). Variants that disrupt the consensus splice site are a relatively common cause of aberrant splicing (PMID: 17576681, 9536098). Algorithms developed to predict the effect of sequence changes on RNA splicing suggest that this variant may disrupt the consensus splice site. In summary, the available evidence is currently insufficient to determine the role of this variant in disease. Therefore, it has been classified as a Variant of Uncertain Significance.

Fulgent Genetics
Classification: Uncertain significance for Epilepsy, familial focal, with variable foci 4; Developmental and epileptic encephalopathy, 62. Last evaluated: 2022-03-03. Review status: criteria provided, single submitter. Criteria: ACMG Guidelines, 2015. Collection method: clinical testing. Allele origin: unknown.

Literature cited by the submitters: PubMed 17576681 (cited by Labcorp Genetics (formerly Invitae), Labcorp); PubMed 9536098 (cited by Labcorp Genetics (formerly Invitae), Labcorp).

NM_006922.4(SCN3A):c.603-3_603-2del

Gene: SCN3A (sodium voltage-gated channel alpha subunit 3; minus strand). Cytogenetic location: 2q24.3.
Variant type: Deletion.
Coding change: c.603-3_603-2del on transcript NM_006922.4 (MANE Select); 3 bases into the intron before coding-DNA position 603 through the canonical splice acceptor site of the intron before coding-DNA position 603, 2 bases deleted (CA; older notation c.603-3_603-2delCA).
Molecular consequence: splice acceptor variant. On other transcripts: intron variant (1).
Genome position (GRCh38, 1-based): chr2:165,163,711-165,163,712, TG deleted on the plus strand (CA on the coding strand, the reverse complement: SCN3A is on the minus strand); deleting any 2 consecutive bases within chr2:165,163,711-165,163,713 gives the same sequence; the c. name uses the placement nearest the transcript's 3' end. VCF-style (leftmost placement, unchanged base first): chr2-165163710-CTG-C. GRCh37 (hg19) VCF-style: chr2-166020220-CTG-C.
Other names: c.603-3_603-2del (NM_001081676.2); c.694+90_694+91del (NM_001081677.2).
Identifiers: ClinVar variation 848668 (VCV000848668.8), dbSNP rs770371377, ClinGen allele CA1939364.
Genomic context (GRCh38, chr2:165,163,710, plus strand): 5'-AGAACTCTGAATGTTCTCAACGCTGAGACATTGCCCAGGTCCACAAACTCTGTCACATAT[CTG>C]TAATAGGGGAGTTCACACACAAACACAATAACACACAAGAAAAGTTGGAGATATAAGGGG-3'